The following is an entry in ClinVar:

ClinVar aggregate classification (germline): Benign/Likely benign. Review status: criteria provided, multiple submitters, no conflicts (2 of 4 stars). 8 submissions from 8 submitters: Benign (2); Likely benign (5). 1 of the submissions does not count toward it. Last evaluated 2025-12-01.

Conditions:
Hereditary cancer-predisposing syndrome. Also called: Neoplastic Syndromes, Hereditary; Tumor predisposition; Hereditary Cancer Syndrome; Hereditary neoplastic syndrome. Identifiers: Orphanet 140162, MedGen C0027672, MeSH D009386, MONDO:0015356.
Familial cancer of breast. Also called: BREAST CANCER, FAMILIAL; Hereditary breast cancer; hereditary breast carcinoma. Identifiers: Orphanet 227535, MedGen C0346153, MONDO:0016419, OMIM 114480. Disease mechanism: loss of function.
Malignant tumor of breast. Also called: Malignant breast neoplasm; Cancer breast. Identifiers: MedGen C0006142, MONDO:0007254. Disease mechanism: loss of function.

Allele frequency attached by ClinVar (database versions not stated): gnomAD 0.00004 and 0.00005; TOPMed 0.00005; ESP Exome Variant Server 0.00015.
gnomAD v4.1: 86 of 1,614,080 alleles (0.0053%); highest among the groups gnomAD compares: Non-Finnish European, 0.0067%; no homozygotes.

Submissions (8):

Labcorp Genetics (formerly Invitae), Labcorp
Classification: Likely benign for Familial cancer of breast. Last evaluated: 2025-12-01. Review status: criteria provided, single submitter. Criteria: Invitae Variant Classification Sherloc (09022015). Collection method: clinical testing. Allele origin: germline.

Quest Diagnostics Nichols Institute San Juan Capistrano
Classification: Likely benign. Last evaluated: 2025-08-12. Review status: criteria provided, single submitter. Criteria: Quest Diagnostics criteria. Collection method: clinical testing. Allele origin: unknown.

Myriad Genetics, Inc.
Classification: Benign for Familial cancer of breast. Last evaluated: 2024-07-30. Review status: criteria provided, single submitter. Criteria: Myriad Autosomal Dominant, Autosomal Recessive and X-Linked Classification Criteria (2023). Collection method: clinical testing. Allele origin: unknown.
Comment: This variant is considered benign. This variant is a silent/synonymous amino acid change and it is not expected to impact splicing.

Sema4
Classification: Likely benign for Hereditary cancer-predisposing syndrome. Last evaluated: 2021-12-16. Review status: criteria provided, single submitter. Criteria: Sema4 Curation Guidelines. Collection method: curation. Allele origin: germline.

Color Diagnostics, LLC DBA Color Health
Classification: Likely benign for Hereditary cancer-predisposing syndrome. Last evaluated: 2016-10-29. Review status: criteria provided, single submitter. Criteria: ACMG Guidelines, 2015. Collection method: clinical testing. Allele origin: germline.

GeneDx
Classification: Benign. Last evaluated: 2015-03-03. Review status: criteria provided, single submitter. Criteria: GeneDx Variant Classification Process June 2021. Collection method: clinical testing. Allele origin: germline. Affected: yes.

Ambry Genetics
Classification: Likely benign for Hereditary cancer-predisposing syndrome. Last evaluated: 2014-10-29. Review status: criteria provided, single submitter. Criteria: Ambry Variant Classification Scheme 2023. Collection method: clinical testing. Allele origin: germline.

Department of Pathology and Laboratory Medicine, Sinai Health System
Classification: Uncertain significance for Malignant tumor of breast. Review status: no assertion criteria provided. Collection method: clinical testing. Allele origin: unknown. Affected: yes. Study: The Canadian Open Genetics Repository (COGR). Not counted in ClinVar's aggregate classification.
Comment: The BARD1 p.Ala724= variant was not identified in the literature. The variant was identified in dbSNP (ID: rs143331809) as "With Likely benign allele", and in ClinVar (classified as likely benign by Invitae, Ambry Genetics and Color). The variant was identified in control databases in 8 of 277090 chromosomes at a frequency of 0.00003 (Genome Aggregation Database Feb 27, 2017). The variant was observed in the European population in 8 of 126586 chromosomes (freq: 0.00006); it was not observed in the African, Other, Latino, Ashkenazi Jewish, East Asian, Finnish, and South Asian populations. The p.Ala724= variant is not expected to have clinical significance because it does not result in a change of amino acid and is not located in a known consensus splice site. The variant occurs outside of the splicing consensus sequence and 1 of 5 in silico or computational prediction software programs (SpliceSiteFinder, MaxEntScan, NNSPLICE, GeneSplicer) predict a greater than 10% difference in splicing; this is not very predictive of pathogenicity. In summary, based on the above information the clinical significance of this variant cannot be determined with certainty at this time. This variant is classified as a variant of uncertain significance.

NM_000465.4(BARD1):c.2172G>T (p.Ala724=)

Gene: BARD1 (BRCA1 associated RING domain 1; minus strand). Cytogenetic location: 2q35.
Variant type: single nucleotide variant.
Coding change: c.2172G>T on transcript NM_000465.4 (MANE Select); coding-DNA position 2172, G replaced by T.
Protein change: p.Ala724=; no amino-acid change (alanine 724 retained).
Molecular consequence: synonymous variant. On other transcripts: non-coding transcript variant (3).
Genome position (GRCh38, 1-based): chr2:214,728,838, C>A on the plus strand (G>T on the coding strand, the complement: BARD1 is on the minus strand). VCF-style: chr2-214728838-C-A. GRCh37 (hg19) VCF-style: chr2-215593562-C-A.
Other names: c.2115G>T, p.Ala705= (NM_001282543.2); c.819G>T, p.Ala273= (NM_001282545.2); c.762G>T, p.Ala254= (NM_001282548.2); c.633G>T, p.Ala211= (NM_001282549.2).
Identifiers: ClinVar variation 186822 (VCV000186822.24), dbSNP rs143331809, ClinGen allele CA195969.